The following is an entry in ClinVar:

ClinVar aggregate classification (germline): Uncertain significance (1 of 4 stars; one submission).

Submission:

Ambry Genetics
Classification: Uncertain significance. Last evaluated: 2024-05-16. Review status: criteria provided, single submitter. Criteria: Ambry Variant Classification Scheme 2023. Collection method: clinical testing. Allele origin: germline.
Comment: The p.Q705H variant (also known as c.2115G>C), located in coding exon 14 of the RINT1 gene, results from a G to C substitution at nucleotide position 2115. The glutamine at codon 705 is replaced by histidine, an amino acid with highly similar properties. This amino acid position is conserved. In addition, this alteration is predicted to be tolerated by in silico analysis. Based on the available evidence, the clinical significance of this variant remains unclear.

NM_021930.6(RINT1):c.2115G>C (p.Gln705His)

Genes: EFCAB10 (EF-hand calcium binding domain 10; minus strand), RINT1 (RAD50 interactor 1; plus strand). Cytogenetic location: 7q22.3.
Variant type: single nucleotide variant.
Coding change: c.2115G>C on transcript NM_021930.6 (MANE Select); coding-DNA position 2115, G replaced by C.
Protein change: p.Gln705His; replaces glutamine 705 with histidine.
Molecular consequence: missense variant. On other transcripts: non-coding transcript variant (1), intron variant (2).
Genome position (GRCh38, 1-based): chr7:105,565,577, G>C. VCF-style: chr7-105565577-G-C. GRCh37 (hg19) VCF-style: chr7-105206024-G-C.
Other names: c.422C>G, p.Thr141Ser (NM_001355530.2); c.1881G>C, p.Gln627His (NM_001346599.2); c.1092G>C, p.Gln364His (NM_001346600.2, NM_001346603.2); c.1191G>C, p.Gln397His (NM_001346601.2); c.360-130C>G (NM_001355531.2); c.384-130C>G (NM_001355526.2); short protein forms Q397H, Q705H, Q627H, Q364H, T141S.
Identifiers: ClinVar variation 3314469 (VCV003314469.1).